The following is an entry in ClinVar:

NM_001142854.2(SPATC1L):c.893G>A (p.Ser298Asn)

Gene: SPATC1L (spermatogenesis and centriole associated 1 like; minus strand). Cytogenetic location: 21q22.3.
Variant type: single nucleotide variant.
Coding change: c.893G>A on transcript NM_001142854.2 (MANE Select); coding-DNA position 893, G replaced by A.
Protein change: p.Ser298Asn; replaces serine 298 with asparagine.
Molecular consequence: missense variant.
Genome position (GRCh38, 1-based): chr21:46,161,509, C>T on the plus strand (G>A on the coding strand, the complement: SPATC1L is on the minus strand). VCF-style: chr21-46161509-C-T. GRCh37 (hg19) VCF-style: chr21-47581423-C-T.
Other names: c.431G>A, p.Ser144Asn (NM_032261.5); short protein forms S298N, S144N.
Identifiers: ClinVar variation 403468 (VCV000403468.7), dbSNP rs14378, ClinGen allele CA10074190.
Genomic context (GRCh38, chr21:46,161,509, plus strand): 5'-TCGCCCAGGAACTTGGGGGGCACCACGTCGATGACCAGCTTGCGCAGCGCGGCCGGGCTG[C>T]TGTGCAGGGGGTTGGCGCGCAGGTCGGGCCGCTGCTTCAGGATTCCGTAGGTGTTGATGA-3'
Protein context (NP_001136326.1, residues 288-308): RPDLRANPLH[Ser298Asn]SPAALRKLVI

ClinVar aggregate classification (germline): Benign. Review status: criteria provided, multiple submitters, no conflicts (2 of 4 stars). 3 submissions from 3 submitters: Benign (3). Last evaluated 2019-04-19.

Allele frequency attached by ClinVar (database versions not stated): 1000 Genomes Project 30x 0.10056; 1000 Genomes Project 0.10184; TOPMed 0.10305; gnomAD 0.10439 and 0.10608; ESP Exome Variant Server 0.10844.
gnomAD v4.1: 148,907 of 1,607,716 alleles (9.3%); highest among the groups gnomAD compares: African/African-American, 14%; 7,828 homozygotes.

Submissions (3):

GeneDx
Classification: Benign. Last evaluated: 2019-04-19. Review status: criteria provided, single submitter. Criteria: GeneDx Variant Classification Process June 2021. Collection method: clinical testing. Allele origin: germline. Affected: yes.
Comment: This variant is associated with the following publications: (PMID: 30177775)

Laboratory for Molecular Medicine, Mass General Brigham Personalized Medicine
Classification: Benign. Last evaluated: 2016-03-28. Review status: criteria provided, single submitter. Criteria: LMM Criteria. Collection method: clinical testing. Allele origin: germline.
Comment: Variant identified in a genome or exome case(s) and assessed due to predicted null impact of the variant or pathogenic assertions in the literature or databases. Disclaimer: This variant has not undergone full assessment. The following are preliminary notes: Frequency

Breakthrough Genomics
Classification: Benign. Review status: criteria provided, single submitter. Criteria: ACMG Guidelines, 2015. Collection method: not provided. Allele origin: germline. Inheritance: Unknown mechanism. Affected: yes.